The following is an entry in ClinVar:

ClinVar aggregate classification (germline): Uncertain significance (1 of 4 stars; one submission).

Conditions:
Neuropathy, hereditary sensory, type 2C. Also called: KIF1A-Related HSAN2 (HSAN2C); Hereditary sensory and autonomic neuropathy type IIC. Identifiers: Orphanet 970, MedGen C3280168, MONDO:0013634, OMIM 614213.
Intellectual disability, autosomal dominant 9 (NESCAVS). Also called: NESCAV SYNDROME; KIF1A-Related Neurodevelopmental Disorder. Identifiers: Orphanet 662367, MedGen C5393830, MONDO:0013656, OMIM 614255.
Hereditary spastic paraplegia 30. Identifiers: Orphanet 101010, MedGen C5235139, MONDO:0012476.

Submission:

Labcorp Genetics (formerly Invitae), Labcorp
Classification: Uncertain significance for Spastic paraplegia 30, autosomal recessive; Hereditary sensory and autonomic neuropathy type IIC; Mental retardation, autosomal dominant 9. Last evaluated: 2018-12-24. Review status: criteria provided, single submitter. Criteria: Invitae Variant Classification Sherloc (09022015). Collection method: clinical testing. Allele origin: germline.
Comment: This variant results in a copy number gain of the genomic region encompassing exons 14-46 of the KIF1A gene. The 5' boundary is likely confined to intron 13. The 3' end of this event is unknown as it extends beyond the assayed region for this gene and therefore may encompass additional genes. As the precise location of this event is unknown, it may be in tandem or it may be located elsewhere in the genome. This variant has not been reported in the literature in individuals with KIF1A-related disease. In summary, the available evidence is currently insufficient to determine the role of this variant in disease. Therefore, it has been classified as a Variant of Uncertain Significance.

NC_000002.11:g.(?_241676470)_(241709133_?)dup

Genes: KIF1A (kinesin family member 1A; minus strand), LOC126806583 (P300/CBP strongly-dependent group 1 enhancer GRCh37_chr2:241678910-241680109; plus strand). Cytogenetic location: 2q37.3.
Variant type: Duplication.
Identifiers: ClinVar variation 658987 (VCV000658987.1).